The following is an entry in ClinVar:

NM_001200.4(BMP2):c.406T>A (p.Leu136Ile)

Gene: BMP2 (bone morphogenetic protein 2; plus strand). Cytogenetic location: 20p12.3.
Variant type: single nucleotide variant.
Coding change: c.406T>A on transcript NM_001200.4 (MANE Select); coding-DNA position 406, T replaced by A.
Protein change: p.Leu136Ile; replaces leucine 136 with isoleucine.
Molecular consequence: missense variant.
Genome position (GRCh38, 1-based): chr20:6,778,304, T>A. VCF-style: chr20-6778304-T-A. GRCh37 (hg19) VCF-style: chr20-6758951-T-A.
Other names: short protein forms L136I.
Identifiers: ClinVar variation 1928112 (VCV001928112.5), dbSNP rs1986540851, ClinGen allele CA408258261.
Genomic context (GRCh38, chr20:6,778,304, plus strand): 5'-GAATCTTTGGAAGAACTACCAGAAACGAGTGGGAAAACAACCCGGAGATTCTTCTTTAAT[T>A]TAAGTTCTATCCCCACGGAGGAGTTTATCACCTCAGCAGAGCTTCAGGTTTTCCGAGAAC-3'
Protein context (NP_001191.1, residues 126-146): GKTTRRFFFN[Leu136Ile]SSIPTEEFIT

ClinVar aggregate classification (germline): Uncertain significance (1 of 4 stars; one submission).

Allele frequency attached by ClinVar (database versions not stated): TOPMed 0.00001.

Submission:

Labcorp Genetics (formerly Invitae), Labcorp
Classification: Uncertain significance. Last evaluated: 2023-08-14. Review status: criteria provided, single submitter. Criteria: Invitae Variant Classification Sherloc (09022015). Collection method: clinical testing. Allele origin: germline.
Comment: An algorithm developed to predict the effect of missense changes on protein structure and function (PolyPhen-2) suggests that this variant is likely to be disruptive. In summary, the available evidence is currently insufficient to determine the role of this variant in disease. Therefore, it has been classified as a Variant of Uncertain Significance. ClinVar contains an entry for this variant (Variation ID: 1928112). This sequence change replaces leucine, which is neutral and non-polar, with isoleucine, which is neutral and non-polar, at codon 136 of the BMP2 protein (p.Leu136Ile). This variant is not present in population databases (gnomAD no frequency). This variant has not been reported in the literature in individuals affected with BMP2-related conditions.